The following is an entry in ClinVar:

NM_181882.3(PRX):c.2056C>A (p.Pro686Thr)

Gene: PRX (periaxin; minus strand). Cytogenetic location: 19q13.2.
Variant type: single nucleotide variant.
Coding change: c.2056C>A on transcript NM_181882.3 (MANE Select); coding-DNA position 2056, C replaced by A.
Protein change: p.Pro686Thr; replaces proline 686 with threonine.
Molecular consequence: missense variant. On other transcripts: 3 prime UTR variant (1).
Genome position (GRCh38, 1-based): chr19:40,396,296, G>T on the plus strand (C>A on the coding strand, the complement: PRX is on the minus strand). VCF-style: chr19-40396296-G-T. GRCh37 (hg19) VCF-style: chr19-40902203-G-T.
Other names: c.*2261C>A (NM_020956.2); short protein forms P686T.
Identifiers: ClinVar variation 648262 (VCV000648262.7), dbSNP rs374232032, ClinGen allele CA9444129.

ClinVar aggregate classification (germline): Uncertain significance. Review status: criteria provided, multiple submitters, no conflicts (2 of 4 stars). 2 submissions from 2 submitters: Uncertain significance (2). Last evaluated 2024-11-26.

Conditions:
Charcot-Marie-Tooth disease type 4. Also called: Charcot-Marie-Tooth disease, type IV; Charcot-Marie-Tooth, Type 4. Identifiers: Orphanet 64749, MedGen C4082197, MONDO:0018995.

Allele frequency attached by ClinVar (database versions not stated): TOPMed 0.00002; gnomAD exomes 0.00006 and 0.00024; ExAC 0.00007; ESP Exome Variant Server 0.00008.

Submissions (2):

Blueprint Genetics
Classification: Uncertain significance. Last evaluated: 2024-11-26. Review status: criteria provided, single submitter. Criteria: ACMG Guidelines, 2015. Collection method: clinical testing. Allele origin: germline.

Labcorp Genetics (formerly Invitae), Labcorp
Classification: Uncertain significance for Charcot-Marie-Tooth disease type 4. Last evaluated: 2021-08-27. Review status: criteria provided, single submitter. Criteria: Invitae Variant Classification Sherloc (09022015). Collection method: clinical testing. Allele origin: germline.
Comment: This sequence change replaces proline with threonine at codon 686 of the PRX protein (p.Pro686Thr). The proline residue is highly conserved and there is a small physicochemical difference between proline and threonine. This variant is present in population databases (rs374232032, ExAC 0.01%). This variant has not been reported in the literature in individuals affected with PRX-related conditions. Algorithms developed to predict the effect of missense changes on protein structure and function are either unavailable or do not agree on the potential impact of this missense change (SIFT: "Deleterious"; PolyPhen-2: "Possibly Damaging"; Align-GVGD: "Class C0"). In summary, the available evidence is currently insufficient to determine the role of this variant in disease. Therefore, it has been classified as a Variant of Uncertain Significance.